The following is an entry in ClinVar:

ClinVar aggregate classification (germline): Benign/Likely benign. Review status: criteria provided, multiple submitters, no conflicts (2 of 4 stars). 10 submissions from 10 submitters: Benign (1); Likely benign (6). 3 of the submissions do not count toward it. Last evaluated 2026-01-10.

Conditions:
Cardiovascular phenotype. Identifiers: MedGen CN230736.
Brugada syndrome 3 (BRGDA3). Identifiers: Orphanet 130, MedGen C2678478, MONDO:0012742, OMIM 611875.
Long QT syndrome 8. Identifiers: MedGen CN260585, MONDO:0032756, OMIM 618447.
Timothy syndrome (TS). Also called: LONG QT SYNDROME WITH SYNDACTYLY. Identifiers: Orphanet 65283, MedGen C1832916, MeSH C536962, MONDO:0010979, OMIM 601005.
Long QT syndrome (LQTS). Identifiers: MedGen C0023976, MeSH D008133, MONDO:0002442. Disease mechanism: loss of function. Inheritance: Various modes of inheritance.
CACNA1C-related disorder. Also called: CACNA1C-related disorders; CACNA1C-related condition. Identifiers: MONDO:0700321, MedGen CN381092.

Allele frequency attached by ClinVar (database versions not stated): ESP Exome Variant Server 0.00008; 1000 Genomes Project 30x 0.00031; gnomAD 0.00004 and 0.00005; gnomAD exomes 0.00007 and 0.00006; TOPMed 0.00005; ExAC 0.00008; 1000 Genomes Project 0.00040.
gnomAD v4.1: 134 of 1,613,340 alleles (0.0083%); highest among the groups gnomAD compares: East Asian, 0.025%; no homozygotes.

Submissions (10):

Labcorp Genetics (formerly Invitae), Labcorp
Classification: Likely benign for Long QT syndrome. Last evaluated: 2026-01-10. Review status: criteria provided, single submitter. Criteria: Invitae Variant Classification Sherloc (09022015). Collection method: clinical testing. Allele origin: germline.

ARUP Laboratories, Molecular Genetics and Genomics, ARUP Laboratories
Classification: Likely benign. Last evaluated: 2025-06-13. Review status: criteria provided, single submitter. Criteria: ARUP Molecular Germline Variant Investigation Process 2024. Collection method: clinical testing. Allele origin: germline.

Blueprint Genetics
Classification: Likely benign. Last evaluated: 2024-10-09. Review status: criteria provided, single submitter. Criteria: ACMG Guidelines, 2015. Collection method: clinical testing. Allele origin: germline.

Fulgent Genetics
Classification: Likely benign for Timothy syndrome; Brugada syndrome 3; Long QT syndrome 8. Last evaluated: 2021-09-28. Review status: criteria provided, single submitter. Criteria: ACMG Guidelines, 2015. Collection method: clinical testing. Allele origin: unknown.

Women's Health and Genetics/Laboratory Corporation of America, LabCorp
Classification: Benign. Last evaluated: 2020-07-04. Review status: criteria provided, single submitter. Criteria: LabCorp Variant Classification Summary - May 2015. Collection method: clinical testing. Allele origin: germline.

GeneDx
Classification: Likely benign. Last evaluated: 2019-12-27. Review status: criteria provided, single submitter. Criteria: GeneDx Variant Classification Process June 2021. Collection method: clinical testing. Allele origin: germline. Affected: yes.

Ambry Genetics
Classification: Likely benign for Cardiovascular phenotype. Last evaluated: 2017-05-15. Review status: criteria provided, single submitter. Criteria: Ambry Variant Classification Scheme 2023. Collection method: clinical testing. Allele origin: germline.

PreventionGenetics, part of Exact Sciences
Classification: Likely benign for CACNA1C-related condition. Last evaluated: 2023-12-16. Review status: no assertion criteria provided. Collection method: clinical testing. Allele origin: germline. Not counted in ClinVar's aggregate classification.
Comment: This variant is classified as likely benign based on ACMG/AMP sequence variant interpretation guidelines (Richards et al. 2015 PMID: 25741868, with internal and published modifications).

Clinical Genetics DNA and cytogenetics Diagnostics Lab, Erasmus MC, Erasmus Medical Center
Classification: Likely benign. Review status: no assertion criteria provided. Collection method: clinical testing. Allele origin: germline. Affected: yes. Study: VKGL Data-share Consensus. Not counted in ClinVar's aggregate classification.

Genome Diagnostics Laboratory, University Medical Center Utrecht
Classification: Likely benign. Review status: no assertion criteria provided. Collection method: clinical testing. Allele origin: germline. Affected: yes. Study: VKGL Data-share Consensus. Not counted in ClinVar's aggregate classification.

NM_000719.7(CACNA1C):c.3567C>T (p.Cys1189=)

Gene: CACNA1C (calcium voltage-gated channel subunit alpha1 C; plus strand). Cytogenetic location: 12p13.33.
Variant type: single nucleotide variant.
Coding change: c.3567C>T on transcript NM_000719.7 (MANE Select); coding-DNA position 3567, C replaced by T.
Protein change: p.Cys1189=; no amino-acid change (cysteine 1189 retained).
Molecular consequence: synonymous variant.
Genome position (GRCh38, 1-based): chr12:2,610,549, C>T. VCF-style: chr12-2610549-C-T. GRCh37 (hg19) VCF-style: chr12-2719715-C-T.
Other names: c.3627C>T, p.Cys1209= (NM_001129827.2, NM_001129832.2, NM_199460.4); c.3567C>T, p.Cys1189= (NM_001129829.2, NM_001129830.3, NM_001129831.2 and 15 more transcripts); c.3558C>T, p.Cys1186= (NM_001129844.2).
Identifiers: ClinVar variation 308145 (VCV000308145.23), dbSNP rs202058956, ClinGen allele CA6389263.
Genomic context (GRCh38, chr12:2,610,549, plus strand): 5'-ACACCCTCCAGTTAACTAACCCCACTCTCCCCATCCTCCACCACCCTCCCAGCGACAGTG[C>T]GTGGAATACGCCCTCAAGGCCCGGCCCCTGCGGAGGTACATCCCCAAGAACCAGCACCAG-3'
Protein context (NP_000710.5, residues 1179-1199): NCELDKNQRQ[Cys1189=]VEYALKARPL